The following is an entry in ClinVar:

NM_000059.4(BRCA2):c.8485C>T (p.Gln2829Ter)

Gene: BRCA2 (BRCA2 DNA repair associated; plus strand). Cytogenetic location: 13q13.1.
Variant type: single nucleotide variant.
Coding change: c.8485C>T on transcript NM_000059.4 (MANE Select); coding-DNA position 8485, C replaced by T.
Protein change: p.Gln2829Ter; replaces glutamine 2829 with a stop codon.
Molecular consequence: nonsense.
Genome position (GRCh38, 1-based): chr13:32,370,555, C>T. VCF-style: chr13-32370555-C-T. GRCh37 (hg19) VCF-style: chr13-32944692-C-T.
Other names: short protein forms Q2829*.
Identifiers: ClinVar variation 52600 (VCV000052600.23), dbSNP rs80359099, ClinGen allele CA025665.
Genomic context (GRCh38, chr13:32,370,555, plus strand): 5'-TTCAGTGATGGAGGAAATGTTGGTTGTGTTGATGTAATTATTCAAAGAGCATACCCTATA[C>T]AGGTATGATGTATTCTTGAAACTTACCATATATTTCTTTCTTTTGATACAATTAATTTGT-3'

ClinVar aggregate classification (germline): Pathogenic. Review status: reviewed by expert panel (3 of 4 stars). 10 submissions from 10 submitters: Pathogenic (1). 9 of the submissions do not count toward it. Last evaluated 2017-12-15.

Conditions:
Hereditary cancer-predisposing syndrome. Also called: Tumor predisposition; Neoplastic Syndromes, Hereditary; Hereditary Cancer Syndrome; Hereditary neoplastic syndrome. Identifiers: Orphanet 140162, MedGen C0027672, MeSH D009386, MONDO:0015356.
Hereditary breast ovarian cancer syndrome. Also called: Hereditary breast and ovarian cancer syndrome (HBOC); Hereditary breast and ovarian cancer syndrome; Hereditary breast and ovarian cancer; Hereditary breast and/or ovarian cancer syndrome; Breast and ovarian cancer; BRCA1- and BRCA2-Associated Hereditary Breast and Ovarian Cancer. Identifiers: Orphanet 145, MedGen C0677776, MeSH D061325, MONDO:0003582. Disease mechanism: loss of function.
Breast-ovarian cancer, familial, susceptibility to, 2 (BROVCA2). Also called: BRCA2 Hereditary Breast and Ovarian Cancer. Identifiers: Orphanet 145, MedGen C2675520, MONDO:0012933, OMIM 612555. Disease mechanism: loss of function.
Breast-ovarian cancer, familial, susceptibility to, 1 (BROVCA1). Also called: OVARIAN CANCER, SUSCEPTIBILITY TO; BRCA1 Hereditary Breast and Ovarian Cancer. Identifiers: Orphanet 145, MedGen C2676676, MONDO:0011450, OMIM 604370. Disease mechanism: loss of function.

Allele frequency attached by ClinVar (database versions not stated): gnomAD exomes below 0.00001.
gnomAD v4.1: 3 of 1,609,130 alleles (0.00019%); highest among the groups gnomAD compares: Non-Finnish European, 0.00026%; no homozygotes.

Submissions (10):

Evidence-based Network for the Interpretation of Germline Mutant Alleles (ENIGMA)
Classification: Pathogenic for Breast-ovarian cancer, familial, susceptibility to, 2. Last evaluated: 2017-12-15. Review status: reviewed by expert panel. Criteria: ENIGMA BRCA1/2 Classification Criteria (2017-06-29). Collection method: curation. Allele origin: germline. Study: ENIGMA.
Comment: Variant allele predicted to encode a truncated non-functional protein.

Ambry Genetics
Classification: Pathogenic for Hereditary cancer-predisposing syndrome. Last evaluated: 2025-10-15. Review status: criteria provided, single submitter. Criteria: Ambry Variant Classification Scheme 2023. Collection method: clinical testing. Allele origin: germline. Not counted in ClinVar's aggregate classification.
Comment: The p.Q2829* pathogenic mutation (also known as c.8485C>T), located in coding exon 18 of the BRCA2 gene, results from a C to T substitution at nucleotide position 8485. This changes the amino acid from a glutamine to a stop codon within coding exon 18. This pathogenic mutation has been reported in many individuals with or suspected of having hereditary breast and ovarian cancer (Rebbeck TR et al. Hum Mutat, 2018 05;39:593-620; Wang YA et al. BMC Cancer, 2018 03;18:315; Bhaskaran SP et al. Int J Cancer, 2019 08;145:962-973; Mehemmai C et al. Pathol Oncol Res, 2020 Apr;26:715-726). Two saturation genome editing-based studies, including a haploid cell-survival assay and a humanized mouse embryonic stem cell line assay of drug response and survival, demonstrate that this nucleotide substitution is non-functional (Huang H et al. Nature. 2025 Feb;638(8050):528-537; Sahu S et al. Nature. 2025 Feb;638(8050):538-545). This variant is considered to be rare based on population cohorts in the Genome Aggregation Database (gnomAD). This alteration is expected to result in loss of function by premature protein truncation or nonsense-mediated mRNA decay. As such, this alteration is interpreted as a disease-causing mutation.

Labcorp Genetics (formerly Invitae), Labcorp
Classification: Pathogenic for Hereditary breast ovarian cancer syndrome. Last evaluated: 2024-07-09. Review status: criteria provided, single submitter. Criteria: Invitae Variant Classification Sherloc (09022015). Collection method: clinical testing. Allele origin: germline. Not counted in ClinVar's aggregate classification.
Comment: This sequence change creates a premature translational stop signal (p.Gln2829*) in the BRCA2 gene. It is expected to result in an absent or disrupted protein product. Loss-of-function variants in BRCA2 are known to be pathogenic (PMID: 20104584). This variant is not present in population databases (gnomAD no frequency). This premature translational stop signal has been observed in individual(s) with breast and/or ovarian cancer (PMID: 25927356, 28724667, 29446198, 29566657). ClinVar contains an entry for this variant (Variation ID: 52600). Algorithms developed to predict the effect of sequence changes on RNA splicing suggest that this variant may disrupt the consensus splice site. For these reasons, this variant has been classified as Pathogenic.

GeneDx
Classification: Pathogenic. Last evaluated: 2024-05-29. Review status: criteria provided, single submitter. Criteria: GeneDx Variant Classification Process June 2021. Collection method: clinical testing. Allele origin: germline. Affected: yes. Not counted in ClinVar's aggregate classification.
Comment: Nonsense variant predicted to result in protein truncation or nonsense mediated decay in a gene for which loss of function is a known mechanism of disease; Published functional studies demonstrate a damaging effect: inability to rescue cell lethality in an embryonic stem cell- based assay and absence of protein expression (PMID: 33293522); Not observed at significant frequency in large population cohorts (gnomAD); Truncating variants in this gene are considered pathogenic by a well-established clinical consortium and/or database; Also known as 8713C>T; This variant is associated with the following publications: (PMID: 31825140, 30702160, 32341426, 29446198, 28724667, 29566657, 33087929, 31723001, 35226219, 35864222, 30715675, 34235180, 32190957, 26848529, 29202330, 28294317, 32072338, 35216584, 25927356, 28176296, 30720863, 33293522)

Genetics and Molecular Pathology, SA Pathology
Classification: Pathogenic for Breast-ovarian cancer, familial, susceptibility to, 2. Last evaluated: 2023-04-17. Review status: criteria provided, single submitter. Criteria: ACMG Guidelines, 2015. Collection method: clinical testing. Allele origin: germline. Affected: yes. Not counted in ClinVar's aggregate classification.

Color Diagnostics, LLC DBA Color Health
Classification: Pathogenic for Hereditary cancer-predisposing syndrome. Last evaluated: 2021-02-01. Review status: criteria provided, single submitter. Criteria: ACMG Guidelines, 2015. Collection method: clinical testing. Allele origin: germline. Not counted in ClinVar's aggregate classification.
Comment: This variant is located in the BRCA2 protein. To our knowledge, functional studies have not been reported for this variant. This variant has been reported in individuals affected with breast/ovarian cancer (PMID: 28724667, 29202330, 29566657, 30702160). This variant has not been identified in the general population by the Genome Aggregation Database (gnomAD). Loss of BRCA2 function is a known mechanism of disease. Based on the available evidence, this variant is classified as Pathogenic.

Laboratory for Molecular Medicine, Mass General Brigham Personalized Medicine
Classification: Pathogenic for Hereditary breast ovarian cancer syndrome. Last evaluated: 2019-10-14. Review status: criteria provided, single submitter. Criteria: ACMG Guidelines, 2015. Collection method: clinical testing. Allele origin: germline. Not counted in ClinVar's aggregate classification.
Comment: The p.Gln2829X variant in BRCA2 has been reported in at least 6 individuals with hereditary breast and/or ovarian cancer (HBOC; Yang 2015, Shi 2017, Sun 2017, Wang 2018, BIC database). It was absent from large population studies. This nonsense variant leads to a premature termination codon at position 2829, which is predicted to lead to a truncated or absent protein. Loss of function of the BRCA2 gene is an established disease mechanism in autosomal dominant hereditary breast and ovarian cancer syndrome (HBOC). Additionally, this variant was classified as Pathogenic on Dec 15, 2017 by the ClinGen-approved ENIGMA expert panel (Variation ID: 52600). In summary, this variant meets criteria to be classified as pathogenic for autosomal dominant HBOC. ACMG/AMP Criteria applied: PVS1, PM2, PS4_Moderate.

Consortium of Investigators of Modifiers of BRCA1/2 (CIMBA), c/o University of Cambridge
Classification: Pathogenic for Breast-ovarian cancer, familial, susceptibility to, 2. Last evaluated: 2015-10-02. Review status: criteria provided, single submitter. Criteria: CIMBA Mutation Classification guidelines May 2016. Collection method: clinical testing. Allele origin: germline. Not counted in ClinVar's aggregate classification.

University of Science and Technology Houari Boumediene, Laboratory of Molecular and Cellular Biology (LBCM)
Classification: Pathogenic for Breast-ovarian cancer, familial, susceptibility to, 1. Review status: criteria provided, single submitter. Criteria: ACMG Guidelines, 2015. Collection method: clinical testing. Allele origin: germline. Inheritance: Autosomal dominant inheritance. Affected: yes. Observed: 1 heterozygote. Not counted in ClinVar's aggregate classification.

Breast Cancer Information Core (BIC) (BRCA2)
Classification: Pathogenic for Breast-ovarian cancer, familial 2. Last evaluated: 2004-02-20. Review status: no assertion criteria provided. Collection method: clinical testing. Allele origin: germline. Affected: yes. Observed: 2 variant alleles. Not counted in ClinVar's aggregate classification.

Literature cited by the submitters: PubMed 29446198 (cited by Ambry Genetics and Labcorp Genetics (formerly Invitae), Labcorp); PubMed 29566657 (cited by 3 submitters); PubMed 30702160 (cited by Ambry Genetics); PubMed 30715675 (cited by Ambry Genetics and University of Science and Technology Houari Boumediene, Laboratory of Molecular and Cellular Biology (LBCM)); PubMed 39779848 (cited by Ambry Genetics); PubMed 39779857 (cited by Ambry Genetics); PubMed 20104584 (cited by Labcorp Genetics (formerly Invitae), Labcorp); PubMed 25927356 (cited by Labcorp Genetics (formerly Invitae), Labcorp and Laboratory for Molecular Medicine, Mass General Brigham Personalized Medicine); PubMed 28724667 (cited by Labcorp Genetics (formerly Invitae), Labcorp and Laboratory for Molecular Medicine, Mass General Brigham Personalized Medicine); PubMed 28176296 (cited by Laboratory for Molecular Medicine, Mass General Brigham Personalized Medicine).